The following is an entry in ClinVar:

NC_000017.10:g.(?_59760647)_(59761511_?)dup

Gene: BRIP1 (BRCA1 interacting DNA helicase 1; minus strand). Cytogenetic location: 17q23.2.
Variant type: Duplication.
Identifiers: ClinVar variation 584139 (VCV000584139.2).

ClinVar aggregate classification (germline): Uncertain significance (1 of 4 stars; one submission).

Conditions:
Familial cancer of breast. Also called: hereditary breast carcinoma; BREAST CANCER, FAMILIAL; Hereditary breast cancer. Identifiers: Orphanet 227535, MedGen C0346153, MONDO:0016419, OMIM 114480. Disease mechanism: loss of function.
Fanconi anemia complementation group J. Also called: BRIP1-Related Fanconi Anemia. Identifiers: Orphanet 84, MedGen C1836860, MONDO:0012187, OMIM 609054.

Submission:

Labcorp Genetics (formerly Invitae), Labcorp
Classification: Uncertain significance for Familial cancer of breast; Fanconi anemia, complementation group J. Last evaluated: 2018-05-09. Review status: criteria provided, single submitter. Criteria: Invitae Variant Classification Sherloc (09022015). Collection method: clinical testing. Allele origin: germline.
Comment: This variant results in a copy number gain of the genomic region encompassing exon 20 of the BRIP1 gene. The 5' boundary is likely confined to intron 19. The 3' end of this event is unknown as it extends beyond the assayed region for this gene and therefore may encompass additional genes. As the precise location of this event is unknown, it may be in tandem or it may be located elsewhere in the genome. This variant has not been reported in the literature in individuals with BRIP1-related disease. In summary, the available evidence is currently insufficient to determine the role of this variant in disease. Therefore, it has been classified as a Variant of Uncertain Significance.